The following is an entry in ClinVar:

NM_001061.7(TBXAS1):c.302T>A (p.Val101Asp)

Gene: TBXAS1 (thromboxane A synthase 1; plus strand). Cytogenetic location: 7q34.
Variant type: single nucleotide variant.
Coding change: c.302T>A on transcript NM_001061.7 (MANE Select); coding-DNA position 302, T replaced by A.
Protein change: p.Val101Asp; replaces valine 101 with aspartic acid.
Molecular consequence: missense variant. On other transcripts: intron variant (1).
Genome position (GRCh38, 1-based): chr7:139,911,290, T>A. VCF-style: chr7-139911290-T-A. GRCh37 (hg19) VCF-style: chr7-139611089-T-A.
Other names: c.302T>A, p.Val101Asp (NM_001130966.5, NM_001166253.4, NM_001366538.2 and 1 more transcripts); c.101T>A, p.Val34Asp (NM_001166254.4); c.245T>A, p.Val82Asp (NM_001314028.4); c.151-24901T>A (NM_001366537.3); c.305T>A (NM_001061.4); short protein forms V101D, V82D, V34D.
Identifiers: ClinVar variation 1420811 (VCV001420811.7), dbSNP rs370871916, ClinGen allele CA4511567.

ClinVar aggregate classification (germline): Uncertain significance. Review status: criteria provided, multiple submitters, no conflicts (2 of 4 stars). 2 submissions from 2 submitters: Uncertain significance (2). Last evaluated 2025-02-14.

Conditions:
Inborn genetic diseases. Identifiers: MedGen C0950123, MeSH D030342.

Allele frequency attached by ClinVar (database versions not stated): ESP Exome Variant Server 0.00008.
gnomAD v4.1: 74 of 1,614,082 alleles (0.0046%); highest among the groups gnomAD compares: Non-Finnish European, 0.0061%; no homozygotes.

Submissions (2):

Ambry Genetics
Classification: Uncertain significance for Inborn genetic diseases. Last evaluated: 2025-02-14. Review status: criteria provided, single submitter. Criteria: Ambry Variant Classification Scheme 2023. Collection method: clinical testing. Allele origin: germline.

Labcorp Genetics (formerly Invitae), Labcorp
Classification: Uncertain significance. Last evaluated: 2021-06-10. Review status: criteria provided, single submitter. Criteria: Invitae Variant Classification Sherloc (09022015). Collection method: clinical testing. Allele origin: germline.
Comment: In summary, the available evidence is currently insufficient to determine the role of this variant in disease. Therefore, it has been classified as a Variant of Uncertain Significance. Algorithms developed to predict the effect of missense changes on protein structure and function are either unavailable or do not agree on the potential impact of this missense change (SIFT: "Deleterious"; PolyPhen-2: "Possibly Damaging"; Align-GVGD: "Class C0"). This variant has not been reported in the literature in individuals with TBXAS1-related conditions. This variant is present in population databases (rs370871916, ExAC 0.003%). This sequence change replaces valine with aspartic acid at codon 102 of the TBXAS1 protein (p.Val102Asp). The valine residue is highly conserved and there is a large physicochemical difference between valine and aspartic acid.